The following is an entry in ClinVar:

NM_004357.5(CD151):c.251A>G (p.Lys84Arg)

Gene: CD151 (CD151 molecule (Raph blood group); plus strand). Cytogenetic location: 11p15.5.
Variant type: single nucleotide variant.
Coding change: c.251A>G on transcript NM_004357.5 (MANE Select); coding-DNA position 251, A replaced by G.
Protein change: p.Lys84Arg; replaces lysine 84 with arginine.
Molecular consequence: missense variant.
Genome position (GRCh38, 1-based): chr11:836,417, A>G. VCF-style: chr11-836417-A-G. GRCh37 (hg19) VCF-style: chr11-836417-A-G.
Other names: c.251A>G, p.Lys84Arg (NM_001039490.2, NM_139029.2, NM_139030.4); short protein forms K84R.
Identifiers: ClinVar variation 2975742 (VCV002975742.5), dbSNP rs150909098, ClinGen allele CA5792101.
Genomic context (GRCh38, chr11:836,417, plus strand): 5'-TGGTGGTGGCGGGCACTGTCGTCATGGTGACTGGGGTCTTGGGCTGCTGCGCCACCTTCA[A>G]GGAGCGTCGGAACCTGCTGCGCCTGGTCAGGAGGGCGCAGGGCCACGGGGTGGGGGTGGT-3'
Protein context (NP_004348.2, residues 74-94): TGVLGCCATF[Lys84Arg]ERRNLLRLYF

ClinVar aggregate classification (germline): Uncertain significance. Review status: criteria provided, multiple submitters, no conflicts (2 of 4 stars). 2 submissions from 2 submitters: Uncertain significance (2). Last evaluated 2024-02-08.

Conditions:
RAPH BLOOD GROUP SYSTEM. Also called: MER2 BLOOD CELL ANTIGEN EXPRESSION. Identifiers: MedGen C1867341, OMIM 179620.
Epidermolysis bullosa simplex 7, with nephropathy and deafness. Also called: Nephrotic syndrome - deafness - pretibial epidermolysis bullosa syndrome; Nephropathy with Pretibial Epidermolysis Bullosa and Deafness. Identifiers: Orphanet 300333, MedGen C1836823, MONDO:0012190, OMIM 609057.

Allele frequency attached by ClinVar (database versions not stated): gnomAD exomes below 0.00001; TOPMed 0.00001; ExAC 0.00002; gnomAD 0.00002; ESP Exome Variant Server 0.00008.
gnomAD v4.1: 4 of 1,610,446 alleles (0.00025%); highest among the groups gnomAD compares: African/African-American, 0.0053%; no homozygotes.

Submissions (3):

Fulgent Genetics
Classification: Uncertain significance for RAPH BLOOD GROUP SYSTEM; Epidermolysis bullosa simplex 7, with nephropathy and deafness. Last evaluated: 2024-02-08. Review status: criteria provided, single submitter. Criteria: ACMG Guidelines, 2015. Collection method: clinical testing. Allele origin: germline.

Labcorp Genetics (formerly Invitae), Labcorp
Classification: Uncertain significance. Last evaluated: 2022-12-06. Review status: criteria provided, single submitter. Criteria: Invitae Variant Classification Sherloc (09022015). Collection method: clinical testing. Allele origin: germline.
Comment: In summary, the available evidence is currently insufficient to determine the role of this variant in disease. Therefore, it has been classified as a Variant of Uncertain Significance. This sequence change replaces lysine, which is basic and polar, with arginine, which is basic and polar, at codon 84 of the CD151 protein (p.Lys84Arg). This variant is present in population databases (rs150909098, gnomAD 0.01%). This variant has not been reported in the literature in individuals affected with CD151-related conditions. Algorithms developed to predict the effect of missense changes on protein structure and function are either unavailable or do not agree on the potential impact of this missense change (SIFT: "Deleterious"; PolyPhen-2: "Benign"; Align-GVGD: "Class C25").

Dr. Peter K. Rogan Lab, Western University
No classification provided (evidence only). Condition: Sarcoma. Review status: no classification provided. Collection method: in vitro. Allele origin: not applicable. Functional consequence: skipped exon. Not counted in ClinVar's aggregate classification.